The following is an entry in ClinVar:

NM_001128840.3(CACNA1D):c.2091_2092del (p.Phe699fs)

Gene: CACNA1D (calcium voltage-gated channel subunit alpha1 D; plus strand). Cytogenetic location: 3p21.1.
Variant type: Deletion.
Coding change: c.2091_2092del on transcript NM_001128840.3 (MANE Select); coding-DNA positions 2091 to 2092, 2 bases deleted (AG; older notation c.2091_2092delAG).
Protein change: p.Phe699fs; shifts the reading frame from phenylalanine 699.
Molecular consequence: frameshift variant.
Genome position (GRCh38, 1-based): chr3:53,723,990-53,723,991, AG deleted. VCF-style (leftmost placement, unchanged base first): chr3-53723989-CAG-C. GRCh37 (hg19) VCF-style: chr3-53758016-CAG-C.
Other names: c.2151_2152del, p.Phe719fs (NM_000720.4); c.2091_2092del, p.Phe699fs (NM_001128839.3); short protein forms F699fs, F719fs.
Identifiers: ClinVar variation 1386932 (VCV001386932.6), dbSNP rs2108724784, ClinGen allele CA2573137377.
Genomic context (GRCh38, chr3:53,723,989, plus strand): 5'-ATTTTGATGAAACGCAAACCAAGCGGAGCACCTTTGACAATTTCCCTCAAGCACTTCTCA[CAG>C]TGTTCCAGGTGAGTCCTCCCTCCATTCCCCGAAAAGCACTTCGTGAGCAGCAGCTAAAAC-3'

ClinVar aggregate classification (germline): Uncertain significance (1 of 4 stars; one submission).

Submission:

Labcorp Genetics (formerly Invitae), Labcorp
Classification: Uncertain significance. Last evaluated: 2021-10-14. Review status: criteria provided, single submitter. Criteria: Invitae Variant Classification Sherloc (09022015). Collection method: clinical testing. Allele origin: germline.
Comment: This variant has not been reported in the literature in individuals affected with CACNA1D-related conditions. This variant is not present in population databases (ExAC no frequency). This sequence change creates a premature translational stop signal (p.Phe719Profs*41) in the CACNA1D gene. It is expected to result in an absent or disrupted protein product. However, the current clinical and genetic evidence is not sufficient to establish whether loss-of-function variants in CACNA1D cause disease. In summary, the available evidence is currently insufficient to determine the role of this variant in disease. Therefore, it has been classified as a Variant of Uncertain Significance.